The following is an entry in ClinVar:

ClinVar aggregate classification (germline): Uncertain significance. Review status: criteria provided, multiple submitters, no conflicts (2 of 4 stars). 2 submissions from 2 submitters: Uncertain significance (2). Last evaluated 2024-11-13.

Conditions:
Inborn genetic diseases. Identifiers: MedGen C0950123, MeSH D030342.

gnomAD v4.1: 13 of 1,614,016 alleles (0.00081%); highest among the groups gnomAD compares: African/African-American, 0.0067%; no homozygotes.

Submissions (2):

Ambry Genetics
Classification: Uncertain significance for Inborn genetic diseases. Last evaluated: 2024-11-13. Review status: criteria provided, single submitter. Criteria: Ambry Variant Classification Scheme 2023. Collection method: clinical testing. Allele origin: germline.

Labcorp Genetics (formerly Invitae), Labcorp
Classification: Uncertain significance. Last evaluated: 2024-04-29. Review status: criteria provided, single submitter. Criteria: Invitae Variant Classification Sherloc (09022015). Collection method: clinical testing. Allele origin: germline.
Comment: This sequence change replaces glutamic acid, which is acidic and polar, with glycine, which is neutral and non-polar, at codon 600 of the DSG1 protein (p.Glu600Gly). This variant is present in population databases (rs370021777, gnomAD 0.01%). This variant has not been reported in the literature in individuals affected with DSG1-related conditions. Advanced modeling of protein sequence and biophysical properties (such as structural, functional, and spatial information, amino acid conservation, physicochemical variation, residue mobility, and thermodynamic stability) has been performed at Invitae for this missense variant, however the output from this modeling did not meet the statistical confidence thresholds required to predict the impact of this variant on DSG1 protein function. In summary, the available evidence is currently insufficient to determine the role of this variant in disease. Therefore, it has been classified as a Variant of Uncertain Significance.

NM_001942.4(DSG1):c.1799A>G (p.Glu600Gly)

Genes: DSG1 (desmoglein 1; plus strand), DSG1-AS1 (DSG1 antisense RNA 1; minus strand). Cytogenetic location: 18q12.1.
Variant type: single nucleotide variant.
Coding change: c.1799A>G on transcript NM_001942.4 (MANE Select); coding-DNA position 1799, A replaced by G.
Protein change: p.Glu600Gly; replaces glutamic acid 600 with glycine.
Molecular consequence: missense variant. On other transcripts: non-coding transcript variant (2).
Genome position (GRCh38, 1-based): chr18:31,343,561, A>G. VCF-style: chr18-31343561-A-G. GRCh37 (hg19) VCF-style: chr18-28923524-A-G.
Other names: short protein forms E600G.
Identifiers: ClinVar variation 3505396 (VCV003505396.3).